The following is an entry in ClinVar:

NM_006445.4(PRPF8):c.6440_6446delinsAGGTGCT (p.Met2147_Pro2149delinsLysValLeu)

Gene: PRPF8 (pre-mRNA processing factor 8; minus strand). Cytogenetic location: 17p13.3.
Variant type: Indel.
Coding change: c.6440_6446delinsAGGTGCT on transcript NM_006445.4 (MANE Select); coding-DNA positions 6440 to 6446, TGGTGCC replaced by AGGTGCT.
Protein change: p.Met2147_Pro2149delinsLysValLeu.
Molecular consequence: missense variant.
Genome position (GRCh38, 1-based): chr17:1,651,712-1,651,718, GGCACCA replaced by AGCACCT on the plus strand (TGGTGCC replaced by AGGTGCT on the coding strand, the reverse complement: PRPF8 is on the minus strand). VCF-style: chr17-1651712-GGCACCA-AGCACCT. GRCh37 (hg19) VCF-style: chr17-1555006-GGCACCA-AGCACCT.
Identifiers: ClinVar variation 4854172 (VCV004854172.1).

ClinVar aggregate classification (germline): Uncertain significance (1 of 4 stars; one submission).

Conditions:
Retinitis pigmentosa 13 (RP13). Also called: PRPF 8-Related Retinitis Pigmentosa. Identifiers: Orphanet 791, MedGen C1838702, MONDO:0010806, OMIM 600059.

Submission:

3billion
Classification: Uncertain significance for Retinitis pigmentosa 13. Last evaluated: 2025-07-02. Review status: criteria provided, single submitter. Criteria: ACMG Guidelines, 2015. Collection method: clinical testing. Allele origin: germline. Affected: yes.
Comment: The variant is not observed in the gnomAD v4.1.0 dataset. Predicted Consequence/Location: Missense variant. Missense changes are a common disease-causing mechanism. Therefore, this variant is classified as VUS according to the recommendation of ACMG/AMP guideline.